The following is an entry in ClinVar:

NM_016553.5(NUP62):c.823GCCACC[2] (p.275AT[2])

Genes: IL4I1 (interleukin 4 induced 1; minus strand), NUP62 (nucleoporin 62; minus strand). Cytogenetic location: 19q13.33.
Variant type: Microsatellite.
Coding change: c.823GCCACC[2] on transcript NM_016553.5 (MANE Select); two copies in a row of the 6-base unit GCCACC starting at c.823; the reference has three copies in a row; one copy, 6 bases deleted.
Protein change: p.275AT[2].
Molecular consequence: inframe deletion. On other transcripts: intron variant (3).
Genome position (GRCh38, 1-based): chr19:49,908,968-49,908,973, GGTGGC deleted on the plus strand (GCCACC on the coding strand, the reverse complement: NUP62 is on the minus strand); deleting any 6 consecutive bases within chr19:49,908,968-49,908,985 gives the same sequence; the position shown is the placement nearest the transcript's 3' end. VCF-style (leftmost placement, unchanged base first): chr19-49908967-TGGTGGC-T. GRCh37 (hg19) VCF-style: chr19-50412224-TGGTGGC-T.
Other names: c.823GCCACC[2], p.275AT[2] (NM_001193357.2, NM_012346.5, NM_153718.4 and 1 more transcripts); c.-227-4664GCCACC[2] (NM_001258017.2, NM_172374.3); c.-285-4664GCCACC[2] (NM_001258018.2).
Identifiers: ClinVar variation 1347814 (VCV001347814.7), dbSNP rs762665664, ClinGen allele CA508298856.
Genomic context (GRCh38, chr19:49,908,967, plus strand): 5'-CGGCTGGCGCCAGTGGTTTTAAATTCAAGGCAAAGCCGGTGGTGCTGCTGCTGCTGGTGG[TGGTGGC>T]GGTGGCGGTGGCAGCGGTGGATGTTGTTGTGGAGGTGCCGGAAGCTGCTCCAGGTGCCTT-3'

ClinVar aggregate classification (germline): Uncertain significance (1 of 4 stars; one submission).

Submission:

Labcorp Genetics (formerly Invitae), Labcorp
Classification: Uncertain significance. Last evaluated: 2024-10-25. Review status: criteria provided, single submitter. Criteria: Invitae Variant Classification Sherloc (09022015). Collection method: clinical testing. Allele origin: germline.
Comment: This variant, c.835_840del, results in the deletion of 2 amino acid(s) of the NUP62 protein (p.Ala279_Thr280del), but otherwise preserves the integrity of the reading frame. This variant is present in population databases (no rsID available, gnomAD 0.008%). This variant has not been reported in the literature in individuals affected with NUP62-related conditions. Experimental studies and prediction algorithms are not available or were not evaluated, and the functional significance of this variant is currently unknown. In summary, the available evidence is currently insufficient to determine the role of this variant in disease. Therefore, it has been classified as a Variant of Uncertain Significance.